The following is an entry in ClinVar:

ClinVar aggregate classification (germline): Likely benign (1 of 4 stars; one submission).

Conditions:
PKHD1-related disorder. Also called: PKHD1-related condition.

gnomAD v4.1: 19 of 1,613,704 alleles (0.0012%); highest among the groups gnomAD compares: Non-Finnish European, 0.001%; no homozygotes.

Submission:

PreventionGenetics, part of Exact Sciences
Classification: Likely benign for PKHD1-related condition. Last evaluated: 2026-03-13. Review status: criteria provided, single submitter. Criteria: ACMG Guidelines, 2015. Collection method: clinical testing. Allele origin: germline.
Comment: This variant is classified as likely benign based on ACMG/AMP sequence variant interpretation guidelines (Richards et al. 2015 PMID: 25741868, with internal and published modifications).

NM_138694.4(PKHD1):c.8001A>G (p.Arg2667=)

Gene: PKHD1 (PKHD1 ciliary IPT domain containing fibrocystin/polyductin; minus strand). Cytogenetic location: 6p12.2.
Variant type: single nucleotide variant.
Coding change: c.8001A>G on transcript NM_138694.4 (MANE Select); coding-DNA position 8001, A replaced by G.
Protein change: p.Arg2667=; no amino-acid change (arginine 2667 retained).
Molecular consequence: synonymous variant.
Genome position (GRCh38, 1-based): chr6:51,847,881, T>C on the plus strand (A>G on the coding strand, the complement: PKHD1 is on the minus strand). VCF-style: chr6-51847881-T-C. GRCh37 (hg19) VCF-style: chr6-51712679-T-C.
Other names: c.8001A>G, p.Arg2667= (NM_170724.3).
Identifiers: ClinVar variation 4986059 (VCV004986059.1).